The following is an entry in ClinVar:

ClinVar aggregate classification (germline): Uncertain significance. Review status: criteria provided, multiple submitters, no conflicts (2 of 4 stars). 5 submissions from 5 submitters: Uncertain significance (5). Last evaluated 2022-07-27.

Conditions:
Dyskeratosis congenita. Identifiers: Orphanet 1775, MedGen C0265965, MONDO:0015780.
Cerebroretinal microangiopathy with calcifications and cysts 1 (CRMCC1). Identifiers: Orphanet 313838, MedGen C4552029, MONDO:0024564, OMIM 612199.

Allele frequency attached by ClinVar (database versions not stated): ExAC 0.00001; gnomAD exomes 0.00002; TOPMed 0.00005.
gnomAD v4.1: 83 of 1,613,914 alleles (0.0051%); highest among the groups gnomAD compares: Admixed American, 0.01%; no homozygotes.

Submissions (5):

Blueprint Genetics
Classification: Uncertain significance. Last evaluated: 2022-07-27. Review status: criteria provided, single submitter. Criteria: ACMG Guidelines, 2015. Collection method: clinical testing. Allele origin: germline.

Labcorp Genetics (formerly Invitae), Labcorp
Classification: Uncertain significance for Dyskeratosis congenita. Last evaluated: 2022-06-16. Review status: criteria provided, single submitter. Criteria: Invitae Variant Classification Sherloc (09022015). Collection method: clinical testing. Allele origin: germline.
Comment: In summary, the available evidence is currently insufficient to determine the role of this variant in disease. Therefore, it has been classified as a Variant of Uncertain Significance. This sequence change replaces proline, which is neutral and non-polar, with leucine, which is neutral and non-polar, at codon 1165 of the CTC1 protein (p.Pro1165Leu). Algorithms developed to predict the effect of missense changes on protein structure and function are either unavailable or do not agree on the potential impact of this missense change (SIFT: "Deleterious"; PolyPhen-2: "Probably Damaging"; Align-GVGD: "Class C15"). ClinVar contains an entry for this variant (Variation ID: 888923). This variant has not been reported in the literature in individuals affected with CTC1-related conditions. This variant is present in population databases (rs766537691, gnomAD 0.006%).

GeneDx
Classification: Uncertain significance. Last evaluated: 2022-01-21. Review status: criteria provided, single submitter. Criteria: GeneDx Variant Classification Process June 2021. Collection method: clinical testing. Allele origin: germline. Affected: yes.
Comment: Not observed at significant frequency in large population cohorts (gnomAD); In silico analysis supports that this missense variant has a deleterious effect on protein structure/function; Has not been previously published as pathogenic or benign to our knowledge

Genome-Nilou Lab
Classification: Uncertain significance for Cerebroretinal microangiopathy with calcifications and cysts 1. Last evaluated: 2021-07-15. Review status: criteria provided, single submitter. Criteria: ACMG Guidelines, 2015. Collection method: clinical testing. Allele origin: germline. Affected: no.

Illumina Laboratory Services, Illumina
Classification: Uncertain significance for Dyskeratosis congenita. Last evaluated: 2018-01-13. Review status: criteria provided, single submitter. Criteria: ICSL Variant Classification Criteria 13 December 2019. Collection method: clinical testing. Allele origin: germline.

NM_025099.6(CTC1):c.3494C>T (p.Pro1165Leu)

Gene: CTC1 (CST telomere replication complex component 1; minus strand). Cytogenetic location: 17p13.1.
Variant type: single nucleotide variant.
Coding change: c.3494C>T on transcript NM_025099.6 (MANE Select); coding-DNA position 3494, C replaced by T.
Protein change: p.Pro1165Leu; replaces proline 1165 with leucine.
Molecular consequence: missense variant. On other transcripts: non-coding transcript variant (1).
Genome position (GRCh38, 1-based): chr17:8,228,523, G>A on the plus strand (C>T on the coding strand, the complement: CTC1 is on the minus strand). VCF-style: chr17-8228523-G-A. GRCh37 (hg19) VCF-style: chr17-8131841-G-A.
Other names: short protein forms P1165L.
Identifiers: ClinVar variation 888923 (VCV000888923.14), dbSNP rs766537691, ClinGen allele CA8371761.